The following is an entry in ClinVar:

NM_020937.4(FANCM):c.511T>C (p.Ser171Pro)

Gene: FANCM (FA complementation group M; plus strand). Cytogenetic location: 14q21.2.
Variant type: single nucleotide variant.
Coding change: c.511T>C on transcript NM_020937.4 (MANE Select); coding-DNA position 511, T replaced by C.
Protein change: p.Ser171Pro; replaces serine 171 with proline.
Molecular consequence: missense variant.
Genome position (GRCh38, 1-based): chr14:45,137,071, T>C. VCF-style: chr14-45137071-T-C. GRCh37 (hg19) VCF-style: chr14-45606274-T-C.
Other names: c.511T>C, p.Ser171Pro (NM_001308133.2, NM_001308134.2); short protein forms S171P.
Identifiers: ClinVar variation 939817 (VCV000939817.9), dbSNP rs1885568109, ClinGen allele CA389588612.
Genomic context (GRCh38, chr14:45,137,071, plus strand): 5'-TATATTTTATAGATAACAGTCTGAAGTTTAGAATGTAGAATGTCACTTTTATTTTCAGGG[T>C]CTACACAAGCTTCCACCAGGAAGGAAATATGGTGCAGTAAGAGAGTGCTTTTTCTTACAC-3'
Protein context (NP_065988.1, residues 161-181): PQSHMAEMTG[Ser171Pro]TQASTRKEIW

ClinVar aggregate classification (germline): Uncertain significance (1 of 4 stars; one submission).

Conditions:
Fanconi anemia (FA). Also called: Fanconi's anemia. Identifiers: Orphanet 84, MedGen C0015625, MeSH D005199, MONDO:0019391.

Submission:

Labcorp Genetics (formerly Invitae), Labcorp
Classification: Uncertain significance for Fanconi anemia. Last evaluated: 2019-10-08. Review status: criteria provided, single submitter. Criteria: Invitae Variant Classification Sherloc (09022015). Collection method: clinical testing. Allele origin: germline.
Comment: Algorithms developed to predict the effect of missense changes on protein structure and function are either unavailable or do not agree on the potential impact of this missense change (SIFT: "Tolerated"; PolyPhen-2: "Possibly Damaging"; Align-GVGD: "Class C0"). This sequence change replaces serine with proline at codon 171 of the FANCM protein (p.Ser171Pro). The serine residue is weakly conserved and there is a moderate physicochemical difference between serine and proline. This variant is not present in population databases (ExAC no frequency). This variant has not been reported in the literature in individuals with FANCM-related conditions. In summary, the available evidence is currently insufficient to determine the role of this variant in disease. Therefore, it has been classified as a Variant of Uncertain Significance.